The following is an entry in ClinVar:

ClinVar aggregate classification (germline): Uncertain significance (1 of 4 stars; one submission).

Submission:

Labcorp Genetics (formerly Invitae), Labcorp
Classification: Uncertain significance. Last evaluated: 2025-06-12. Review status: criteria provided, single submitter. Criteria: Invitae Variant Classification Sherloc (09022015). Collection method: clinical testing. Allele origin: germline.
Comment: This sequence change replaces isoleucine, which is neutral and non-polar, with methionine, which is neutral and non-polar, at codon 495 of the CLCNKB protein (p.Ile495Met). This variant is not present in population databases (gnomAD no frequency). This variant has not been reported in the literature in individuals affected with CLCNKB-related conditions. ClinVar contains an entry for this variant (Variation ID: 2004592). Invitae Evidence Modeling of protein sequence and biophysical properties (such as structural, functional, and spatial information, amino acid conservation, physicochemical variation, residue mobility, and thermodynamic stability) indicates that this missense variant is not expected to disrupt CLCNKB protein function with a negative predictive value of 80%. In summary, the available evidence is currently insufficient to determine the role of this variant in disease. Therefore, it has been classified as a Variant of Uncertain Significance.

NM_000085.5(CLCNKB):c.1485A>G (p.Ile495Met)

Genes: CLCNKB (chloride voltage-gated channel Kb; plus strand), LOC106501713 (CLCNKB recombination region; plus strand). Cytogenetic location: 1p36.13.
Variant type: single nucleotide variant.
Coding change: c.1485A>G on transcript NM_000085.5 (MANE Select); coding-DNA position 1485, A replaced by G.
Protein change: p.Ile495Met; replaces isoleucine 495 with methionine.
Molecular consequence: missense variant.
Genome position (GRCh38, 1-based): chr1:16,052,274, A>G. VCF-style: chr1-16052274-A-G. GRCh37 (hg19) VCF-style: chr1-16378769-A-G.
Other names: c.978A>G, p.Ile326Met (NM_001165945.2); short protein forms I495M, I326M.
Identifiers: ClinVar variation 2004592 (VCV002004592.4), dbSNP rs2023318432, ClinGen allele CA338642930.